The following is an entry in ClinVar:

NM_000222.3(KIT):c.2697-10T>C

Gene: KIT (KIT proto-oncogene, receptor tyrosine kinase; plus strand). Cytogenetic location: 4q12.
Variant type: single nucleotide variant.
Coding change: c.2697-10T>C on transcript NM_000222.3 (MANE Select); 10 bases into the intron before coding-DNA position 2697, T replaced by C.
Molecular consequence: intron variant.
Genome position (GRCh38, 1-based): chr4:54,737,165, T>C. VCF-style: chr4-54737165-T-C. GRCh37 (hg19) VCF-style: chr4-55603331-T-C.
Other names: c.2700-10T>C (NM_001385284.1); c.2697-10T>C (NM_001385290.1); c.2688-10T>C (NM_001385288.1); c.2685-10T>C (NM_001385292.1, NM_001093772.2); c.2694-10T>C (NM_001385285.1); c.2682-10T>C (NM_001385286.1).
Identifiers: ClinVar variation 4771136 (VCV004771136.2).

ClinVar aggregate classification (germline): Likely benign. Review status: criteria provided, multiple submitters, no conflicts (2 of 4 stars). 2 submissions from 2 submitters: Likely benign (2). Last evaluated 2026-06-02.

Conditions:
Gastrointestinal stromal tumor. Also called: Gastrointestinal stroma tumor; Gastrointestinal stromal tumor, somatic. Identifiers: Orphanet 44890, MedGen C0238198, MeSH D046152, MONDO:0011719, OMIM 606764, HP:0100723.

Submissions (2):

Myriad Genetics, Inc.
Classification: Likely benign for Gastrointestinal stromal tumor. Last evaluated: 2026-06-02. Review status: criteria provided, single submitter. Criteria: Myriad Autosomal Dominant, Autosomal Recessive and X-Linked Classification Criteria (2023). Collection method: clinical testing. Allele origin: unknown.
Comment: This variant is considered likely benign. This variant is intronic and is not expected to impact mRNA splicing.

Labcorp Genetics (formerly Invitae), Labcorp
Classification: Likely benign for Gastrointestinal stromal tumor. Last evaluated: 2025-09-16. Review status: criteria provided, single submitter. Criteria: Invitae Variant Classification Sherloc (09022015). Collection method: clinical testing. Allele origin: germline.